The following is an entry in ClinVar:

NM_152564.5(VPS13B):c.2403A>G (p.Thr801=)

Gene: VPS13B (vacuolar protein sorting 13 homolog B; plus strand). Cytogenetic location: 8q22.2.
Variant type: single nucleotide variant.
Coding change: c.2403A>G on transcript NM_152564.5 (MANE Select); coding-DNA position 2403, A replaced by G.
Protein change: p.Thr801=; no amino-acid change (threonine 801 retained).
Molecular consequence: synonymous variant.
Genome position (GRCh38, 1-based): chr8:99,192,945, A>G. VCF-style: chr8-99192945-A-G. GRCh37 (hg19) VCF-style: chr8-100205173-A-G.
Other names: c.2403A>G, p.Thr801= (NM_015243.3, NM_017890.5).
Identifiers: ClinVar variation 3356084 (VCV003356084.1).

ClinVar aggregate classification (germline): Likely benign (0 of 4 stars; one submission).

Conditions:
VPS13B-related disorder. Also called: VPS13B-related condition.

gnomAD v4.1: 2 of 1,613,716 alleles (0.00012%); highest among the groups gnomAD compares: Non-Finnish European, 0.00017%; no homozygotes.

Submission:

PreventionGenetics, part of Exact Sciences
Classification: Likely benign for VPS13B-related condition. Last evaluated: 2023-06-01. Review status: no assertion criteria provided. Collection method: clinical testing. Allele origin: germline.
Comment: This variant is classified as likely benign based on ACMG/AMP sequence variant interpretation guidelines (Richards et al. 2015 PMID: 25741868, with internal and published modifications).